The following is an entry in ClinVar:

ClinVar aggregate classification (germline): Uncertain significance (1 of 4 stars; one submission).

Conditions:
Hereditary cancer-predisposing syndrome. Also called: Hereditary neoplastic syndrome; Neoplastic Syndromes, Hereditary; Tumor predisposition; Hereditary Cancer Syndrome. Identifiers: Orphanet 140162, MedGen C0027672, MeSH D009386, MONDO:0015356.

gnomAD v4.1: 1 of 1,535,468 alleles (0.000065%); highest among the groups gnomAD compares: East Asian, 0.0024%; no homozygotes.

Submission:

Ambry Genetics
Classification: Uncertain significance for Hereditary cancer-predisposing syndrome. Last evaluated: 2025-01-02. Review status: criteria provided, single submitter. Criteria: Ambry Variant Classification Scheme 2023. Collection method: clinical testing. Allele origin: germline.
Comment: The c.-1G>T variant is located in the 5' untranslated region (5&rsquo; UTR) of the ALK gene. This variant results from a G to T substitution 1 bases upstream from the first translated codon. This nucleotide position is well conserved in available vertebrate species. Based on the available evidence, the clinical significance of this variant remains unclear.

NM_004304.5(ALK):c.-1G>T

Gene: ALK (ALK receptor tyrosine kinase; minus strand). Cytogenetic location: 2p23.1.
Variant type: single nucleotide variant.
Coding change: c.-1G>T on transcript NM_004304.5 (MANE Select); 1 bases upstream of the start codon, G replaced by T.
Molecular consequence: 5 prime UTR variant.
Genome position (GRCh38, 1-based): chr2:29,920,660, C>A on the plus strand (G>T on the coding strand, the complement: ALK is on the minus strand). VCF-style: chr2-29920660-C-A. GRCh37 (hg19) VCF-style: chr2-30143526-C-A.
Identifiers: ClinVar variation 3853658 (VCV003853658.1).
Genomic context (GRCh38, chr2:29,920,660, plus strand): 5'-GCCCACAGCTGCCGTGGAAAGCAGCAGCGGCAGGAGCCACAGGAGCCCGATGGCTCCCAT[C>A]CCGCCGGAGGAGGCCGTTTACACTGCTCTCCGGGCCCAGCCTCACCCTTCGCTCTCCCCG-3'